The following is an entry in ClinVar:

NM_000890.5(KCNJ5):c.1148C>T (p.Pro383Leu)

Gene: KCNJ5 (potassium inwardly rectifying channel subfamily J member 5; plus strand). Cytogenetic location: 11q24.3.
Variant type: single nucleotide variant.
Coding change: c.1148C>T on transcript NM_000890.5 (MANE Select); coding-DNA position 1148, C replaced by T.
Protein change: p.Pro383Leu; replaces proline 383 with leucine.
Molecular consequence: missense variant.
Genome position (GRCh38, 1-based): chr11:128,916,619, C>T. VCF-style: chr11-128916619-C-T. GRCh37 (hg19) VCF-style: chr11-128786514-C-T.
Other names: c.1148C>T, p.Pro383Leu (NM_001354169.2); short protein forms P383L.
Identifiers: ClinVar variation 2744979 (VCV002744979.3), dbSNP rs2497733737, ClinGen allele CA383236022.
Genomic context (GRCh38, chr11:128,916,619, plus strand): 5'-GTGCCAAGGAGCTGGCAGAAATGAAGAGGGAAGGCCGGCTCCTCCAGTACCTCCCCAGCC[C>T]CCCACTGCTGGGGGGCTGTGCTGAGGCAGGGCTGGATGCAGAGGCTGAGCAGAATGAAGA-3'
Protein context (NP_000881.3, residues 373-393): EGRLLQYLPS[Pro383Leu]PLLGGCAEAG

ClinVar aggregate classification (germline): Uncertain significance (1 of 4 stars; one submission).

Conditions:
Long QT syndrome (LQTS). Identifiers: MedGen C0023976, MeSH D008133, MONDO:0002442. Disease mechanism: loss of function. Inheritance: Various modes of inheritance.

Submission:

Labcorp Genetics (formerly Invitae), Labcorp
Classification: Uncertain significance for Long QT syndrome. Last evaluated: 2023-07-19. Review status: criteria provided, single submitter. Criteria: Invitae Variant Classification Sherloc (09022015). Collection method: clinical testing. Allele origin: germline.
Comment: This sequence change replaces proline, which is neutral and non-polar, with leucine, which is neutral and non-polar, at codon 383 of the KCNJ5 protein (p.Pro383Leu). This variant is not present in population databases (gnomAD no frequency). This variant has not been reported in the literature in individuals affected with KCNJ5-related conditions. Advanced modeling of protein sequence and biophysical properties (such as structural, functional, and spatial information, amino acid conservation, physicochemical variation, residue mobility, and thermodynamic stability) performed at Invitae indicates that this missense variant is not expected to disrupt KCNJ5 protein function. In summary, the available evidence is currently insufficient to determine the role of this variant in disease. Therefore, it has been classified as a Variant of Uncertain Significance.